The following is an entry in ClinVar:

NM_000179.3(MSH6):c.394_395del (p.Gln132fs)

Gene: MSH6 (mutS homolog 6; plus strand). Cytogenetic location: 2p16.3.
Variant type: Deletion.
Coding change: c.394_395del on transcript NM_000179.3 (MANE Select); coding-DNA positions 394 to 395, 2 bases deleted (CA; older notation c.394_395delCA).
Protein change: p.Gln132fs; shifts the reading frame from glutamine 132.
Molecular consequence: frameshift variant. On other transcripts: 5 prime UTR variant (2), intron variant (1).
Genome position (GRCh38, 1-based): chr2:47,791,060-47,791,061, CA deleted; deleting any 2 consecutive bases within chr2:47,791,059-47,791,061 gives the same sequence; the c. name uses the placement nearest the transcript's 3' end. VCF-style (leftmost placement, unchanged base first): chr2-47791058-TAC-T. GRCh37 (hg19) VCF-style: chr2-48018197-TAC-T.
Other names: c.394_395delCA (NM_000179.2); c.-343_-342del (NM_001281493.2); c.-509_-508del (NM_001281494.2); c.238-7551_238-7550del (NM_001281492.2); short protein forms Q132fs.
Identifiers: ClinVar variation 923196 (VCV000923196.16), dbSNP rs1668698146, ClinGen allele CA1139656995.

ClinVar aggregate classification (germline): Pathogenic. Review status: criteria provided, multiple submitters, no conflicts (2 of 4 stars). 5 submissions from 5 submitters: Pathogenic (4). 1 of the submissions does not count toward it. Last evaluated 2024-09-15.

Conditions:
Hereditary nonpolyposis colorectal neoplasms. Identifiers: MedGen C0009405, MeSH D003123.
Lynch syndrome 5 (LYNCH5). Also called: Colorectal cancer, hereditary nonpolyposis, type 5; Hereditary non-polyposis colorectal cancer, type 5. Identifiers: Orphanet 144, MedGen C1833477, MONDO:0013710, OMIM 614350. Disease mechanism: loss of function.
Hereditary cancer-predisposing syndrome. Also called: Hereditary Cancer Syndrome; Hereditary neoplastic syndrome; Tumor predisposition; Neoplastic Syndromes, Hereditary. Identifiers: Orphanet 140162, MedGen C0027672, MeSH D009386, MONDO:0015356.
Carcinoma of colon (CRC). Also called: Colonic carcinoma; Colon carcinoma. Identifiers: MedGen C0699790, MONDO:0002032.

Submissions (5):

Labcorp Genetics (formerly Invitae), Labcorp
Classification: Pathogenic for Hereditary nonpolyposis colorectal neoplasms. Last evaluated: 2024-09-15. Review status: criteria provided, single submitter. Criteria: Invitae Variant Classification Sherloc (09022015). Collection method: clinical testing. Allele origin: germline.
Comment: This sequence change creates a premature translational stop signal (p.Gln132Valfs*3) in the MSH6 gene. It is expected to result in an absent or disrupted protein product. Loss-of-function variants in MSH6 are known to be pathogenic (PMID: 18269114, 24362816). This variant is not present in population databases (gnomAD no frequency). This variant has not been reported in the literature in individuals affected with MSH6-related conditions. ClinVar contains an entry for this variant (Variation ID: 923196). For these reasons, this variant has been classified as Pathogenic.

Ambry Genetics
Classification: Pathogenic for Hereditary cancer-predisposing syndrome. Last evaluated: 2024-07-26. Review status: criteria provided, single submitter. Criteria: Ambry Variant Classification Scheme 2023. Collection method: clinical testing. Allele origin: germline.
Comment: The c.394_395delCA pathogenic mutation, located in coding exon 2 of the MSH6 gene, results from a deletion of two nucleotides at nucleotide positions 394 to 395, causing a translational frameshift with a predicted alternate stop codon (p.Q132Vfs*3). This variant is considered to be rare based on population cohorts in the Genome Aggregation Database (gnomAD). This alteration is expected to result in loss of function by premature protein truncation or nonsense-mediated mRNA decay. As such, this alteration is interpreted as a disease-causing mutation.

Myriad Genetics, Inc.
Classification: Pathogenic for Lynch syndrome 5. Last evaluated: 2023-08-10. Review status: criteria provided, single submitter. Criteria: Myriad Autosomal Dominant, Autosomal Recessive and X-Linked Classification Criteria (2023). Collection method: clinical testing. Allele origin: unknown.
Comment: This variant is considered pathogenic. This variant creates a frameshift predicted to result in premature protein truncation.

Color Diagnostics, LLC DBA Color Health
Classification: Pathogenic for Hereditary cancer-predisposing syndrome. Last evaluated: 2020-03-02. Review status: criteria provided, single submitter. Criteria: ACMG Guidelines, 2015. Collection method: clinical testing. Allele origin: germline.
Comment: This variant deletes 2 nucleotides in exon 2 of the MSH6 gene, creating a frameshift and premature translation stop signal. This variant is expected to result in an absent or non-functional protein product. To our knowledge, this variant has not been reported in individuals affected with hereditary cancer in the literature. This variant has not been identified in the general population by the Genome Aggregation Database (gnomAD). Loss of MSH6 function is a known mechanism of disease. Based on the available evidence, this variant is classified as Pathogenic.

Department of Pathology and Laboratory Medicine, Sinai Health System
Classification: Pathogenic for Carcinoma of colon. Review status: no assertion criteria provided. Collection method: clinical testing. Allele origin: unknown. Affected: yes. Study: The Canadian Open Genetics Repository (COGR). Not counted in ClinVar's aggregate classification.
Comment: The MSH6 p.Gln132Valfs*3 variant was not identified in the literature nor was it identified in dbSNP, ClinVar, COGR, Cosmic, UMD-LSDB, Zhejiang University Database, Mismatch Repair Genes Variant Database, or InSiGHT Hereditary Tumors databases. The variant was not identified in the following control databases: the 1000 Genomes Project, the NHLBI GO Exome Sequencing Project, the Exome Aggregation Consortium (August 8th 2016), or the Genome Aggregation Database (Feb 27, 2017). The c.394_395del variant is predicted to cause a frameshift, which alters the protein's amino acid sequence beginning at codon 132 and leads to a premature stop codon at position 134. This alteration is then predicted to result in a truncated or absent protein and loss of function. Loss of function variants of the MSH6 gene are an established mechanism of disease in Lynch Syndrome and is the type of variant expected to cause the disorder. In summary, based on the above information this variant meets our laboratoryâ€šÃ„Ã´s criteria to be classified as pathogenic.

Literature cited by the submitters: PubMed 18269114 (cited by Labcorp Genetics (formerly Invitae), Labcorp); PubMed 24362816 (cited by Labcorp Genetics (formerly Invitae), Labcorp).